The following is an entry in ClinVar:

ClinVar aggregate classification (germline): Conflicting classifications of pathogenicity. Review status: criteria provided, conflicting classifications (1 of 4 stars). 17 submissions from 16 submitters: Pathogenic (1); Likely pathogenic (3); Uncertain significance (13). Last evaluated 2026-07-01.

Conditions:
Left ventricular noncompaction 10 (LVNC10). Identifiers: Orphanet 154, Orphanet 54260, MedGen C3715165, MONDO:0014163, OMIM 615396.
Cardiovascular phenotype. Identifiers: MedGen CN230736.
Cardiomyopathy (CMYO). Also called: Cardiomyopathies. Identifiers: Orphanet 167848, MedGen C0878544, MONDO:0004994, HP:0001638. Inheritance: Various modes of inheritance.
Hypertrophic cardiomyopathy 4. Also called: Familial hypertrophic cardiomyopathy 4. Identifiers: MedGen C1861862, MONDO:0007268, OMIM 115197.
Hypertrophic cardiomyopathy. Also called: HYPERTROPHIC MYOCARDIOPATHY. Identifiers: Orphanet 217569, MedGen C0007194, MeSH D002312, MONDO:0005045, HP:0001639.

Allele frequency attached by ClinVar (database versions not stated): TOPMed 0.00002; gnomAD 0.00003.
gnomAD v4.1: 103 of 1,598,984 alleles (0.0064%); highest among the groups gnomAD compares: Non-Finnish European, 0.0078%; no homozygotes.

Submissions 1 to 11 of 17:

CeGaT Center for Human Genetics Tuebingen
Classification: Uncertain significance. Last evaluated: 2026-07-01. Review status: criteria provided, single submitter. Criteria: CeGaT Center For Human Genetics Tuebingen Variant Classification Criteria Version 2. Collection method: clinical testing. Allele origin: germline. Affected: yes. Observed: 1 variant allele.
Comment: MYBPC3: PM2, PM3, PP3

Labcorp Genetics (formerly Invitae), Labcorp
Classification: Pathogenic for Hypertrophic cardiomyopathy. Last evaluated: 2026-01-25. Review status: criteria provided, single submitter. Criteria: Invitae Variant Classification Sherloc (09022015). Collection method: clinical testing. Allele origin: germline.
Comment: This sequence change replaces aspartic acid, which is acidic and polar, with histidine, which is basic and polar, at codon 610 of the MYBPC3 protein (p.Asp610His). This variant is present in population databases (rs371564200, gnomAD 0.008%). This missense change has been observed in individuals with hypertrophic cardiomyopathy, sudden infant death syndrome, and/or ventricular fibrillation (PMID: 8533079, 20624503, 22361390, 25740977, 28074886, 28356264, 29032884). ClinVar contains an entry for this variant (Variation ID: 42576). An algorithm developed to predict the effect of missense changes on protein structure and function (PolyPhen-2) suggests that this variant is likely to be disruptive. This variant disrupts the p.Asp610 amino acid residue in MYBPC3. Other variant(s) that disrupt this residue have been determined to be pathogenic (PMID: 22857948, 33782553, 34097875; internal data). This suggests that this residue is clinically significant, and that variants that disrupt this residue are likely to be disease-causing. For these reasons, this variant has been classified as Pathogenic.

Dasa
Classification: Uncertain significance. Last evaluated: 2025-12-23. Review status: criteria provided, single submitter. Criteria: DASA Assertion Criteria. Collection method: clinical testing. Allele origin: germline.
Comment: NM_000256.3(MYBPC3):c.1828G>C (p.Asp610His) is a missense variant that results in the substitution of aspartic acid with histidine. This variant is rare in population databases. Computational prediction algorithms are consistent with a deleterious effect. The currently available literature and clinical evidence are not sufficient to establish a definitive association between this variant and the reported condition. Therefore, this variant is classified as a variant of uncertain significance.

GeneDx
Classification: Uncertain significance. Last evaluated: 2025-11-03. Review status: criteria provided, single submitter. Criteria: GeneDx Variant Classification Process June 2021. Collection method: clinical testing. Allele origin: germline. Affected: yes.
Comment: In silico analysis supports that this missense variant has a deleterious effect on protein structure/function; This variant is associated with the following publications: (PMID: 20624503, 20800588, 22361390, 27532257, 28074886, 28538763, 22958901, 27618852, 28356264, 21835320, 29032884, 32746448, 33782553, 35838873, 37652022, 33495597, 29710196, 18533079, 25740977, 36788754, 31983221, 35130036, 32531501, 40710799, 40225148, 40879562, 39633578, 34714385)

Department of Human Genetics, Hannover Medical School
Classification: Uncertain significance for Left ventricular noncompaction 10. Last evaluated: 2025-05-26. Review status: criteria provided, single submitter. Criteria: ACMG Guidelines, 2015. Collection method: clinical testing. Allele origin: germline. Affected: yes.
Comment: ClinGen MYBPC3: PP3

Ambry Genetics
Classification: Uncertain significance for Cardiovascular phenotype. Last evaluated: 2025-05-20. Review status: criteria provided, single submitter. Criteria: Ambry Variant Classification Scheme 2023. Collection method: clinical testing. Allele origin: germline.
Comment: The p.D610H variant (also known as c.1828G>C), located in coding exon 19 of the MYBPC3 gene, results from a G to C substitution at nucleotide position 1828. The aspartic acid at codon 610 is replaced by histidine, an amino acid with similar properties. This alteration has been reported in multiple individuals with hypertrophic cardiomyopathy (HCM), but several of the probands were also heterozygous for pathogenic variants in other HCM-associated genes (Millat G et al. Eur J Med Genet 2010 Sep-Oct;53:261-7; Olivotto I et al. J. Am. Coll. Cardiol., 2011 Aug;58:839-48; Calore C et al. J. Med. Genet., 2015 May;52:338-47; Galati G et al. Circ Heart Fail, 2016 Sep;9; Rafael JF et al. Arq. Bras. Cardiol., 2017 Apr;108:354-360; Maurizi N et al. JAMA Cardiol, 2018 Jun;3:520-525). This alteration was also reported in cases of sudden infant death syndrome; however, limited clinical information was provided (Brion M et al. Forensic Sci. Int., 2012 Jun;219:278-81; Neubauer J et al. Eur. J. Hum. Genet., 2017 04;25:404-409). This amino acid position is highly conserved in available vertebrate species. In addition, this alteration is predicted to be deleterious by in silico analysis. Since supporting evidence is limited at this time, the clinical significance of this alteration remains unclear.

All of Us Research Program, National Institutes of Health
Classification: Uncertain significance for Hypertrophic cardiomyopathy. Last evaluated: 2024-09-16. Review status: criteria provided, single submitter. Criteria: ACMG Guidelines, 2015. Collection method: clinical testing. Allele origin: germline. Inheritance: Autosomal dominant inheritance. Observed: 15 variant alleles, 15 heterozygotes.
Comment: This missense variant replaces aspartic acid with histidine at codon 610 of the MYBPC3 protein. Computational prediction suggests that this variant may have deleterious impact on protein structure and function (internally defined REVEL score threshold >= 0.7, PMID: 27666373). To our knowledge, functional studies have not been reported for this variant. This variant has been reported in individuals affected with hypertrophic cardiomyopathy (PMID: 18533079, 20624503, 28356264, 28538763, 32531501, 33782553, 33495597). One of these individuals was compound heterozygous with a known pathogenic mutation in the same gene (PMID: 28538763). While this individual was reported to show severe phenotype, all other carriers of either of the two variants showed no clinical signs of hypertrophic cardiomyopathy. This variant has also been reported in an individual affected with dilated cardiomyopathy (PMID: 31983221) and in two individuals affected with sudden infant death syndrome (PMID: 22361390, 28074886). This variant has been identified in 8/253926 chromosomes in the general population by the Genome Aggregation Database (gnomAD). The available evidence is insufficient to determine the role of this variant in disease conclusively. Therefore, this variant is classified as a Variant of Uncertain Significance.

This study involves interpretation of variants in research participants for the purpose of population health screening. Participant phenotype was not available at the time of variant classification. Additional details can be found in publication PMID: 35346344, PMCID: PMC8962531

Molecular Diagnostic Laboratory for Inherited Cardiovascular Disease, Montreal Heart Institute
Classification: Likely pathogenic for Cardiovascular phenotype. Last evaluated: 2024-09-10. Review status: criteria provided, single submitter. Criteria: ACMG Guidelines, 2015. Collection method: clinical testing. Allele origin: germline. Affected: yes.
Comment: PS4_mod, PM2, PM5_supp, PP3

Color Diagnostics, LLC DBA Color Health
Classification: Uncertain significance for Cardiomyopathy. Last evaluated: 2024-04-05. Review status: criteria provided, single submitter. Criteria: ACMG Guidelines, 2015. Collection method: clinical testing. Allele origin: germline.
Comment: This missense variant replaces aspartic acid with histidine at codon 610 of the MYBPC3 protein. Computational prediction tools indicate that this variant has a deleterious impact on protein structure and function. To our knowledge, functional studies have not been reported for this variant. This variant has been reported in individuals affected with hypertrophic cardiomyopathy (PMID: 18533079, 20624503, 28356264, 28538763, 32531501, 33782553, 33495597, 38489124). Two of these individuals also carried different pathogenic variants in the same gene (PMID: 28538763, 38489124). This variant has also been reported in one individual affected with dilated cardiomyopathy (PMID: 31983221), in one individual affected with an unspecified cardiomyopathy (PMID: 37477868), and in two infants affected with sudden death (PMID: 22361390, 28074886). This variant has been identified in 8/253926 chromosomes in the general population by the Genome Aggregation Database (gnomAD). The available evidence is insufficient to determine the role of this variant in disease conclusively. Therefore, this variant is classified as a Variant of Uncertain Significance.

Blueprint Genetics
Classification: Uncertain significance. Last evaluated: 2024-02-14. Review status: criteria provided, single submitter. Criteria: ACMG Guidelines, 2015. Collection method: clinical testing. Allele origin: germline.

AiLife Diagnostics
Classification: Likely pathogenic. Last evaluated: 2022-01-05. Review status: criteria provided, single submitter. Criteria: ACMG Guidelines, 2015. Collection method: clinical testing. Allele origin: germline. Affected: yes. Observed: 6 variant alleles.

NM_000256.3(MYBPC3):c.1828G>C (p.Asp610His)

Gene: MYBPC3 (myosin binding protein C3; minus strand). Cytogenetic location: 11p11.2.
Variant type: single nucleotide variant.
Coding change: c.1828G>C on transcript NM_000256.3 (MANE Select); coding-DNA position 1828, G replaced by C.
Protein change: p.Asp610His; replaces aspartic acid 610 with histidine.
Molecular consequence: missense variant.
Genome position (GRCh38, 1-based): chr11:47,341,207, C>G on the plus strand (G>C on the coding strand, the complement: MYBPC3 is on the minus strand). VCF-style: chr11-47341207-C-G. GRCh37 (hg19) VCF-style: chr11-47362758-C-G.
Other names: short protein forms D610H.
Identifiers: ClinVar variation 42576 (VCV000042576.52), dbSNP rs371564200, ClinGen allele CA011286.